The following is an entry in ClinVar:

ClinVar aggregate classification (germline): Uncertain significance. Review status: criteria provided, multiple submitters, no conflicts (2 of 4 stars). 2 submissions from 2 submitters: Uncertain significance (2). Last evaluated 2024-06-26.

Allele frequency attached by ClinVar (database versions not stated): TOPMed below 0.00001; gnomAD exomes 0.00001.
gnomAD v4.1: 10 of 1,550,624 alleles (0.00064%); highest among the groups gnomAD compares: South Asian, 0.0048%; no homozygotes.

Submissions (2):

Ambry Genetics
Classification: Uncertain significance. Last evaluated: 2024-06-26. Review status: criteria provided, single submitter. Criteria: Ambry Variant Classification Scheme 2023. Collection method: clinical testing. Allele origin: germline.

Labcorp Genetics (formerly Invitae), Labcorp
Classification: Uncertain significance. Last evaluated: 2022-08-01. Review status: criteria provided, single submitter. Criteria: Invitae Variant Classification Sherloc (09022015). Collection method: clinical testing. Allele origin: germline.
Comment: This sequence change replaces proline, which is neutral and non-polar, with leucine, which is neutral and non-polar, at codon 688 of the PITRM1 protein (p.Pro688Leu). The frequency data for this variant in the population databases is considered unreliable, as metrics indicate poor data quality at this position in the gnomAD database. This variant has not been reported in the literature in individuals affected with PITRM1-related conditions. Algorithms developed to predict the effect of missense changes on protein structure and function are either unavailable or do not agree on the potential impact of this missense change (SIFT: "Deleterious"; PolyPhen-2: "Benign"; Align-GVGD: "Class C0"). In summary, the available evidence is currently insufficient to determine the role of this variant in disease. Therefore, it has been classified as a Variant of Uncertain Significance.

NM_014889.4(PITRM1):c.2357C>T (p.Pro786Leu)

Genes: PITRM1 (pitrilysin metallopeptidase 1; minus strand), PITRM1-AS1 (PITRM1 antisense RNA 1; plus strand). Cytogenetic location: 10p15.2.
Variant type: single nucleotide variant.
Coding change: c.2357C>T on transcript NM_014889.4 (MANE Select); coding-DNA position 2357, C replaced by T.
Protein change: p.Pro786Leu; replaces proline 786 with leucine.
Molecular consequence: missense variant. On other transcripts: non-coding transcript variant (5).
Genome position (GRCh38, 1-based): chr10:3,145,696, G>A on the plus strand (C>T on the coding strand, the complement: PITRM1 is on the minus strand). VCF-style: chr10-3145696-G-A. GRCh37 (hg19) VCF-style: chr10-3187888-G-A.
Other names: c.2360C>T, p.Pro787Leu (NM_001242307.2); c.2063C>T, p.Pro688Leu (NM_001242309.1); c.2159C>T, p.Pro720Leu (NM_001347725.2); c.1544C>T, p.Pro515Leu (NM_001347726.2); c.1742C>T, p.Pro581Leu (NM_001347727.2); c.1052C>T, p.Pro351Leu (NM_001347728.2); c.2333C>T, p.Pro778Leu (NM_001347729.1); c.2135C>T, p.Pro712Leu (NM_001347730.1); short protein forms P712L, P787L, P515L, P581L, P778L, P351L, P688L, P720L.
Identifiers: ClinVar variation 1925915 (VCV001925915.4), dbSNP rs1160985828, ClinGen allele CA375870859.
Genomic context (GRCh38, chr10:3,145,696, plus strand): 5'-CTCCGACCGATGCTTCTAAGGAAGTCTTCGACCGCTTTTTCTGTCTGAGGCATCTGCTGA[G>A]GAGTCGCATTCACTGAACACCTGTTTGAAAAATTATGTATACATAAAACCACTGTTAGAA-3'
Protein context (NP_055704.2, residues 776-796): DNMRCSVNAT[Pro786Leu]QQMPQTEKAV